The following is an entry in ClinVar:

NM_001378120.1(MBD5):c.2198C>T (p.Ser733Phe)

Gene: MBD5 (methyl-CpG binding domain protein 5; plus strand). Cytogenetic location: 2q23.1.
Variant type: single nucleotide variant.
Coding change: c.2198C>T on transcript NM_001378120.1 (MANE Select); coding-DNA position 2198, C replaced by T.
Protein change: p.Ser733Phe; replaces serine 733 with phenylalanine.
Molecular consequence: missense variant.
Genome position (GRCh38, 1-based): chr2:148,470,141, C>T. VCF-style: chr2-148470141-C-T. GRCh37 (hg19) VCF-style: chr2-149227710-C-T.
Other names: c.2198C>T, p.Ser733Phe (NM_018328.5); short protein forms S733F.
Identifiers: ClinVar variation 574485 (VCV000574485.38), dbSNP rs1438163020, ClinGen allele CA348721332.

ClinVar aggregate classification (germline): Conflicting classifications of pathogenicity. Review status: criteria provided, conflicting classifications (1 of 4 stars). 3 submissions from 3 submitters: Uncertain significance (2); Likely benign (1). Last evaluated 2026-02-09.

Conditions:
Intellectual developmental disorder, autosomal dominant 1. Also called: Intellectual disability, autosomal dominant 1; MBD5 Haploinsufficiency. Identifiers: Orphanet 228402, MedGen C1969562, MONDO:0007974, OMIM 156200.

Allele frequency attached by ClinVar (database versions not stated): TOPMed 0.00002; gnomAD 0.00001.
gnomAD v4.1: 14 of 1,613,810 alleles (0.00087%); highest among the groups gnomAD compares: Middle Eastern, 0.016%; no homozygotes.

Submissions (3):

Women's Health and Genetics/Laboratory Corporation of America, LabCorp
Classification: Uncertain significance. Last evaluated: 2026-02-09. Review status: criteria provided, single submitter. Criteria: LabCorp Variant Classification Summary - May 2015. Collection method: clinical testing. Allele origin: germline.
Comment: Variant summary: MBD5 c.2198C>T (p.Ser733Phe) results in a non-conservative amino acid change in the encoded protein sequence. Algorithms developed to predict the effect of missense changes on protein structure and function are either unavailable or do not agree on the potential impact of this missense change. The variant allele was found at a frequency of 1.2e-05 in 250684 control chromosomes. The available data on variant occurrences in the general population are insufficient to allow any conclusion about variant significance. To our knowledge, no occurrence of c.2198C>T in individuals affected with MBD5-related conditions and no experimental evidence demonstrating its impact on protein function have been reported. ClinVar contains an entry for this variant (Variation ID: 574485). Based on the evidence outlined above, the variant was classified as uncertain significance.

Labcorp Genetics (formerly Invitae), Labcorp
Classification: Likely benign for Intellectual developmental disorder, autosomal dominant 1. Last evaluated: 2025-10-23. Review status: criteria provided, single submitter. Criteria: Invitae Variant Classification Sherloc (09022015). Collection method: clinical testing. Allele origin: germline.

CeGaT Center for Human Genetics Tuebingen
Classification: Uncertain significance. Last evaluated: 2022-09-01. Review status: criteria provided, single submitter. Criteria: CeGaT Center For Human Genetics Tuebingen Variant Classification Criteria Version 2. Collection method: clinical testing. Allele origin: germline. Affected: yes. Observed: 1 variant allele.
Comment: MBD5: PM2:Supporting, BP4